The following is an entry in ClinVar:

NM_182916.3(TRNT1):c.1182A>T (p.Arg394Ser)

Gene: TRNT1 (tRNA nucleotidyl transferase 1; plus strand). Cytogenetic location: 3p26.2.
Variant type: single nucleotide variant.
Coding change: c.1182A>T on transcript NM_182916.3 (MANE Select); coding-DNA position 1182, A replaced by T.
Protein change: p.Arg394Ser; replaces arginine 394 with serine.
Molecular consequence: missense variant. On other transcripts: non-coding transcript variant (8).
Genome position (GRCh38, 1-based): chr3:3,148,031, A>T. VCF-style: chr3-3148031-A-T. GRCh37 (hg19) VCF-style: chr3-3189715-A-T.
Other names: c.1122A>T, p.Arg374Ser (NM_001302946.2); c.1182A>T, p.Arg394Ser (NM_001367321.1, NM_001367322.1, NM_001367323.1); short protein forms R374S, R394S.
Identifiers: ClinVar variation 1062306 (VCV001062306.5), dbSNP rs2126038235, ClinGen allele CA351448983.
Genomic context (GRCh38, chr3:3,148,031, plus strand): 5'-CCTAAAGGAAATGCAGCAGTGGTCCATTCCTCCATTTCCTGTAAGTGGCCATGACATCAG[A>T]AAAGTGGGCATTTCTTCAGGAAAAGAAATTGGGGCTCTATTACAACAGTTGCGAGAACAG-3'
Protein context (NP_886552.3, residues 384-404): PPFPVSGHDI[Arg394Ser]KVGISSGKEI

ClinVar aggregate classification (germline): Uncertain significance (1 of 4 stars; one submission).

Conditions:
Congenital sideroblastic anemia-B-cell immunodeficiency-periodic fever-developmental delay syndrome. Also called: Sideroblastic anemia with B-cell immunodeficiency, periodic fevers, and developmental delay. Identifiers: Orphanet 369861, MedGen C4015172, MONDO:0014487, OMIM 616084.

Submission:

Labcorp Genetics (formerly Invitae), Labcorp
Classification: Uncertain significance for Congenital sideroblastic anemia-B-cell immunodeficiency-periodic fever-developmental delay syndrome. Last evaluated: 2023-07-21. Review status: criteria provided, single submitter. Criteria: Invitae Variant Classification Sherloc (09022015). Collection method: clinical testing. Allele origin: germline.
Comment: This sequence change replaces arginine, which is basic and polar, with serine, which is neutral and polar, at codon 394 of the TRNT1 protein (p.Arg394Ser). This variant is not present in population databases (gnomAD no frequency). This variant has not been reported in the literature in individuals affected with TRNT1-related conditions. ClinVar contains an entry for this variant (Variation ID: 1062306). Advanced modeling of protein sequence and biophysical properties (such as structural, functional, and spatial information, amino acid conservation, physicochemical variation, residue mobility, and thermodynamic stability) performed at Invitae indicates that this missense variant is not expected to disrupt TRNT1 protein function. In summary, the available evidence is currently insufficient to determine the role of this variant in disease. Therefore, it has been classified as a Variant of Uncertain Significance.